The following is an entry in ClinVar:

ClinVar aggregate classification (germline): Likely benign. Review status: criteria provided, multiple submitters, no conflicts (2 of 4 stars). 3 submissions from 3 submitters: Likely benign (3). Last evaluated 2025-05-20.

Conditions:
CTNNB1-related disorder. Also called: CTNNB1-related condition.

Allele frequency attached by ClinVar (database versions not stated): ExAC 0.00001; gnomAD 0.00002 and 0.00003; gnomAD exomes 0.00003.
gnomAD v4.1: 52 of 1,614,064 alleles (0.0032%); highest among the groups gnomAD compares: Non-Finnish European, 0.0043%; no homozygotes.

Submissions (3):

PreventionGenetics, part of Exact Sciences
Classification: Likely benign for CTNNB1-related condition. Last evaluated: 2025-05-20. Review status: criteria provided, single submitter. Criteria: ACMG Guidelines, 2015. Collection method: clinical testing. Allele origin: germline.
Comment: This variant is classified as likely benign based on ACMG/AMP sequence variant interpretation guidelines (Richards et al. 2015 PMID: 25741868, with internal and published modifications).

Labcorp Genetics (formerly Invitae), Labcorp
Classification: Likely benign. Last evaluated: 2024-03-03. Review status: criteria provided, single submitter. Criteria: Invitae Variant Classification Sherloc (09022015). Collection method: clinical testing. Allele origin: germline.

Blueprint Genetics
Classification: Likely benign. Last evaluated: 2021-10-18. Review status: criteria provided, single submitter. Criteria: ACMG Guidelines, 2015. Collection method: clinical testing. Allele origin: germline.

NM_001904.4(CTNNB1):c.1677A>G (p.Gln559=)

Genes: CTNNB1 (catenin beta 1; plus strand), LOC126806659 (BRD4-independent group 4 enhancer GRCh37_chr3:41274918-41276117; plus strand). Cytogenetic location: 3p22.1.
Variant type: single nucleotide variant.
Coding change: c.1677A>G on transcript NM_001904.4 (MANE Select); coding-DNA position 1677, A replaced by G.
Protein change: p.Gln559=; no amino-acid change (glutamine 559 retained).
Molecular consequence: synonymous variant.
Genome position (GRCh38, 1-based): chr3:41,234,291, A>G. VCF-style: chr3-41234291-A-G. GRCh37 (hg19) VCF-style: chr3-41275782-A-G.
Other names: c.1677A>G, p.Gln559= (NM_001098209.2, NM_001098210.2); c.1656A>G, p.Gln552= (NM_001330729.2); c.1677A>G (NM_001904.3).
Identifiers: ClinVar variation 1589969 (VCV001589969.12), dbSNP rs550622727, ClinGen allele CA2331135.